The following is an entry in ClinVar:

NM_015278.5(SASH1):c.1160C>T (p.Ser387Phe)

Gene: SASH1 (SAM and SH3 domain containing 1; plus strand). Cytogenetic location: 6q25.1.
Variant type: single nucleotide variant.
Coding change: c.1160C>T on transcript NM_015278.5 (MANE Select); coding-DNA position 1160, C replaced by T.
Protein change: p.Ser387Phe; replaces serine 387 with phenylalanine.
Molecular consequence: missense variant.
Genome position (GRCh38, 1-based): chr6:148,519,844, C>T. VCF-style: chr6-148519844-C-T. GRCh37 (hg19) VCF-style: chr6-148840980-C-T.
Other names: c.1025C>T, p.Ser342Phe (NM_001346505.2); c.788C>T, p.Ser263Phe (NM_001346506.2); c.443C>T, p.Ser148Phe (NM_001346507.2, NM_001346508.2); c.320C>T, p.Ser107Phe (NM_001346509.2); short protein forms S107F, S148F, S263F, S342F, S387F.
Identifiers: ClinVar variation 3041854 (VCV003041854.18), dbSNP rs116958992, ClinGen allele CA4040228.

ClinVar aggregate classification (germline): Benign. Review status: criteria provided, single submitter (1 of 4 stars). 2 submissions from 2 submitters: Benign (1). 1 of the submissions does not count toward it. Last evaluated 2024-07-01.

Conditions:
SASH1-related disorder. Also called: SASH1-related condition.

Allele frequency attached by ClinVar (database versions not stated): 1000 Genomes Project 30x 0.00297; 1000 Genomes Project 0.00300; TOPMed 0.00651; ESP Exome Variant Server 0.00708; gnomAD 0.00738.
gnomAD v4.1: 16,125 of 1,607,002 alleles (1%); highest among the groups gnomAD compares: Non-Finnish European, 1.2%; 99 homozygotes.

Submissions (2):

CeGaT Center for Human Genetics Tuebingen
Classification: Benign. Last evaluated: 2024-07-01. Review status: criteria provided, single submitter. Criteria: CeGaT Center For Human Genetics Tuebingen Variant Classification Criteria Version 2. Collection method: clinical testing. Allele origin: germline. Affected: yes. Observed: 1 variant allele.
Comment: SASH1: BS1, BS2

PreventionGenetics, part of Exact Sciences
Classification: Likely benign for SASH1-related condition. Last evaluated: 2019-10-14. Review status: no assertion criteria provided. Collection method: clinical testing. Allele origin: germline. Not counted in ClinVar's aggregate classification.
Comment: This variant is classified as likely benign based on ACMG/AMP sequence variant interpretation guidelines (Richards et al. 2015 PMID: 25741868, with internal and published modifications).